The following is an entry in ClinVar:

ClinVar aggregate classification (germline): Uncertain significance (1 of 4 stars; one submission).

Allele frequency attached by ClinVar (database versions not stated): gnomAD exomes below 0.00001.
gnomAD v4.1: 1 of 1,614,126 alleles (0.000062%); highest among the groups gnomAD compares: Admixed American, 0.0017%; no homozygotes.

Submission:

GeneDx
Classification: Uncertain significance. Last evaluated: 2022-06-01. Review status: criteria provided, single submitter. Criteria: GeneDx Variant Classification Process June 2021. Collection method: clinical testing. Allele origin: germline. Affected: yes.
Comment: Not observed at significant frequency in large population cohorts (gnomAD); In silico analysis supports that this missense variant has a deleterious effect on protein structure/function; Has not been previously published as pathogenic or benign to our knowledge

NM_001170629.2(CHD8):c.3778C>T (p.Arg1260Cys)

Gene: CHD8 (chromodomain helicase DNA binding protein 8; minus strand). Cytogenetic location: 14q11.2.
Variant type: single nucleotide variant.
Coding change: c.3778C>T on transcript NM_001170629.2 (MANE Select); coding-DNA position 3778, C replaced by T.
Protein change: p.Arg1260Cys; replaces arginine 1260 with cysteine.
Molecular consequence: missense variant.
Genome position (GRCh38, 1-based): chr14:21,402,440, G>A on the plus strand (C>T on the coding strand, the complement: CHD8 is on the minus strand). VCF-style: chr14-21402440-G-A. GRCh37 (hg19) VCF-style: chr14-21870599-G-A.
Other names: c.2941C>T, p.Arg981Cys (NM_020920.4); short protein forms R1260C, R981C.
Identifiers: ClinVar variation 1801874 (VCV001801874.1), dbSNP rs2501897961, ClinGen allele CA388898920.
Genomic context (GRCh38, chr14:21,402,440, plus strand): 5'-CCTTATCCAACCCCAACTTGAGGCTGGCCTTATCAAACATCTCTCTCTCGTAGGAATTAC[G>A]AGTGATGAGGCGGTACACCTTCACAGCTTTGCTCTGCCCAATTCGATGACATCGTGCCTG-3'
Protein context (NP_001164100.1, residues 1250-1270): KAVKVYRLIT[Arg1260Cys]NSYEREMFDK